The following is an entry in ClinVar:

NM_004525.3(LRP2):c.8742T>A (p.Asp2914Glu)

Gene: LRP2 (LDL receptor related protein 2; minus strand). Cytogenetic location: 2q31.1.
Variant type: single nucleotide variant.
Coding change: c.8742T>A on transcript NM_004525.3 (MANE Select); coding-DNA position 8742, T replaced by A.
Protein change: p.Asp2914Glu; replaces aspartic acid 2914 with glutamic acid.
Molecular consequence: missense variant.
Genome position (GRCh38, 1-based): chr2:169,193,849, A>T on the plus strand (T>A on the coding strand, the complement: LRP2 is on the minus strand). VCF-style: chr2-169193849-A-T. GRCh37 (hg19) VCF-style: chr2-170050359-A-T.
Other names: short protein forms D2914E.
Identifiers: ClinVar variation 1481822 (VCV001481822.6), dbSNP rs754129832, ClinGen allele CA349160644.
Genomic context (GRCh38, chr2:169,193,849, plus strand): 5'-CATATCCCCACAGTCATTATCACCGTCACAGATCCATTCGCTTGGGATGCACCTCCCACC[A>T]TCACACTTGAACTCATCAGCTAGGCATGTTCGCTCAGAGTGACCTGAAAAGATCAATAGC-3'
Protein context (NP_004516.2, residues 2904-2924): RTCLADEFKC[Asp2914Glu]GGRCIPSEWI

ClinVar aggregate classification (germline): Uncertain significance (1 of 4 stars; one submission).

Submission:

Labcorp Genetics (formerly Invitae), Labcorp
Classification: Uncertain significance. Last evaluated: 2023-04-05. Review status: criteria provided, single submitter. Criteria: Invitae Variant Classification Sherloc (09022015). Collection method: clinical testing. Allele origin: germline.
Comment: This sequence change replaces aspartic acid, which is acidic and polar, with glutamic acid, which is acidic and polar, at codon 2914 of the LRP2 protein (p.Asp2914Glu). This variant is not present in population databases (gnomAD no frequency). This variant has not been reported in the literature in individuals affected with LRP2-related conditions. ClinVar contains an entry for this variant (Variation ID: 1481822). Advanced modeling of protein sequence and biophysical properties (such as structural, functional, and spatial information, amino acid conservation, physicochemical variation, residue mobility, and thermodynamic stability) performed at Invitae indicates that this missense variant is not expected to disrupt LRP2 protein function. In summary, the available evidence is currently insufficient to determine the role of this variant in disease. Therefore, it has been classified as a Variant of Uncertain Significance.